The following is an entry in ClinVar:

NM_152594.3(SPRED1):c.592G>T (p.Gly198Cys)

Gene: SPRED1 (sprouty related EVH1 domain containing 1; plus strand). Cytogenetic location: 15q14.
Variant type: single nucleotide variant.
Coding change: c.592G>T on transcript NM_152594.3 (MANE Select); coding-DNA position 592, G replaced by T.
Protein change: p.Gly198Cys; replaces glycine 198 with cysteine.
Molecular consequence: missense variant.
Genome position (GRCh38, 1-based): chr15:38,349,431, G>T. VCF-style: chr15-38349431-G-T. GRCh37 (hg19) VCF-style: chr15-38641632-G-T.
Other names: short protein forms G198C.
Identifiers: ClinVar variation 2335310 (VCV002335310.3), dbSNP rs1296168587, ClinGen allele CA391932788.
Genomic context (GRCh38, chr15:38,349,431, plus strand): 5'-ATTAAAAGTAAAATTCTTGTGTCATTTAAGTAGAAATTGTTTGTATTTTAGATAACATTT[G>T]GTCAGCCAGGCTTGGACATTCAGAGCAGAAGTATGGAATACGTACAGCGGCAAATATCCA-3'
Protein context (NP_689807.1, residues 188-208): MQSQANQITF[Gly198Cys]QPGLDIQSRS

ClinVar aggregate classification (germline): Uncertain significance (1 of 4 stars; one submission).

Conditions:
Cardiovascular phenotype. Identifiers: MedGen CN230736.

Allele frequency attached by ClinVar (database versions not stated): gnomAD exomes below 0.00001.

Submission:

Ambry Genetics
Classification: Uncertain significance for Cardiovascular phenotype. Last evaluated: 2025-12-07. Review status: criteria provided, single submitter. Criteria: Ambry Variant Classification Scheme 2023. Collection method: clinical testing. Allele origin: germline.
Comment: The p.G198C variant (also known as c.592G>T), located in coding exon 6 of the SPRED1 gene, results from a G to T substitution at nucleotide position 592. The glycine at codon 198 is replaced by cysteine, an amino acid with highly dissimilar properties. This amino acid position is conserved. In addition, this alteration is predicted to be tolerated by in silico analysis. Based on the available evidence, the clinical significance of this variant remains unclear.